The following is an entry in ClinVar:

ClinVar aggregate classification (germline): Uncertain significance (1 of 4 stars; one submission).

Allele frequency attached by ClinVar (database versions not stated): gnomAD exomes below 0.00001; TOPMed below 0.00001; ExAC 0.00001; gnomAD 0.00001.
gnomAD v4.1: 2 of 1,612,622 alleles (0.00012%); highest among the groups gnomAD compares: African/African-American, 0.0027%; no homozygotes.

Submission:

Labcorp Genetics (formerly Invitae), Labcorp
Classification: Uncertain significance. Last evaluated: 2022-03-19. Review status: criteria provided, single submitter. Criteria: Invitae Variant Classification Sherloc (09022015). Collection method: clinical testing. Allele origin: germline.
Comment: In summary, the available evidence is currently insufficient to determine the role of this variant in disease. Therefore, it has been classified as a Variant of Uncertain Significance. Algorithms developed to predict the effect of missense changes on protein structure and function are either unavailable or do not agree on the potential impact of this missense change (SIFT: "Tolerated"; PolyPhen-2: "Probably Damaging"; Align-GVGD: "Class C0"). This variant has not been reported in the literature in individuals affected with TFRC-related conditions. This variant is present in population databases (rs781268657, gnomAD 0.007%). This sequence change replaces tyrosine, which is neutral and polar, with cysteine, which is neutral and slightly polar, at codon 88 of the TFRC protein (p.Tyr88Cys).

NM_001128148.3(TFRC):c.263A>G (p.Tyr88Cys)

Gene: TFRC (transferrin receptor; minus strand). Cytogenetic location: 3q29.
Variant type: single nucleotide variant.
Coding change: c.263A>G on transcript NM_001128148.3 (MANE Select); coding-DNA position 263, A replaced by G.
Protein change: p.Tyr88Cys; replaces tyrosine 88 with cysteine.
Molecular consequence: missense variant. On other transcripts: intron variant (1).
Genome position (GRCh38, 1-based): chr3:196,074,101, T>C on the plus strand (A>G on the coding strand, the complement: TFRC is on the minus strand). VCF-style: chr3-196074101-T-C. GRCh37 (hg19) VCF-style: chr3-195800972-T-C.
Other names: c.20A>G, p.Tyr7Cys (NM_001313965.2); c.263A>G, p.Tyr88Cys (NM_003234.4); c.-412-1949A>G (NM_001313966.2); short protein forms Y7C, Y88C.
Identifiers: ClinVar variation 1481389 (VCV001481389.8), dbSNP rs781268657, ClinGen allele CA2778346.
Genomic context (GRCh38, chr3:196,074,101, plus strand): 5'-ACTGGAGACTCGGTTCCTGCCAGTCTCTCACACTCAGTTTTTGGTTCTACCCCTTTACAA[T>C]AGCCCAAGTAGCCAATCATAAATCCTAAAGAGACAAAGTTCCAGAGCTGAACTCAGAATT-3'
Protein context (NP_001121620.1, residues 78-98): LIGFMIGYLG[Tyr88Cys]CKGVEPKTEC